The following is an entry in ClinVar:

ClinVar aggregate classification (germline): Uncertain significance (1 of 4 stars; one submission).

Submission:

Institute for Clinical Genetics, University Hospital TU Dresden, University Hospital TU Dresden
Classification: Uncertain significance. Last evaluated: 2022-12-12. Review status: criteria provided, single submitter. Criteria: ACMG Guidelines, 2015. Collection method: clinical testing. Allele origin: germline.
Comment: PM2_SUP

NM_006268.5(DPF2):c.745C>G (p.Pro249Ala)

Gene: DPF2 (double PHD fingers 2; plus strand). Cytogenetic location: 11q13.1.
Variant type: single nucleotide variant.
Coding change: c.745C>G on transcript NM_006268.5 (MANE Select); coding-DNA position 745, C replaced by G.
Protein change: p.Pro249Ala; replaces proline 249 with alanine.
Molecular consequence: missense variant.
Genome position (GRCh38, 1-based): chr11:65,345,773, C>G. VCF-style: chr11-65345773-C-G. GRCh37 (hg19) VCF-style: chr11-65113244-C-G.
Other names: c.787C>G, p.Pro263Ala (NM_001330308.2); short protein forms P249A, P263A.
Identifiers: ClinVar variation 2576065 (VCV002576065.1), dbSNP rs2495405253, ClinGen allele CA381253961.